The following is an entry in ClinVar:

NM_001142800.2(EYS):c.1941C>A (p.Cys647Ter)

Gene: EYS (EGF-like photoreceptor maintenance factor; minus strand). Cytogenetic location: 6q12.
Variant type: single nucleotide variant.
Coding change: c.1941C>A on transcript NM_001142800.2 (MANE Select); coding-DNA position 1941, C replaced by A.
Protein change: p.Cys647Ter; replaces cysteine 647 with a stop codon.
Molecular consequence: nonsense.
Genome position (GRCh38, 1-based): chr6:65,295,945, G>T on the plus strand (C>A on the coding strand, the complement: EYS is on the minus strand). VCF-style: chr6-65295945-G-T. GRCh37 (hg19) VCF-style: chr6-66005838-G-T.
Other names: c.1941C>A, p.Cys647Ter (NM_001292009.2); short protein forms C647*.
Identifiers: ClinVar variation 3729786 (VCV003729786.2).

ClinVar aggregate classification (germline): Pathogenic (1 of 4 stars; one submission).

gnomAD v4.1: 2 of 1,550,676 alleles (0.00013%); highest among the groups gnomAD compares: Non-Finnish European, 0.000087%; no homozygotes.

Submission:

Labcorp Genetics (formerly Invitae), Labcorp
Classification: Pathogenic. Last evaluated: 2025-01-29. Review status: criteria provided, single submitter. Criteria: Invitae Variant Classification Sherloc (09022015). Collection method: clinical testing. Allele origin: germline.
Comment: This sequence change creates a premature translational stop signal (p.Cys647*) in the EYS gene. It is expected to result in an absent or disrupted protein product. Loss-of-function variants in EYS are known to be pathogenic (PMID: 18836446, 20333770). This variant is not present in population databases (gnomAD no frequency). This variant has not been reported in the literature in individuals affected with EYS-related conditions. For these reasons, this variant has been classified as Pathogenic.

Literature cited by the submitters: PubMed 18836446; PubMed 20333770.